The following is an entry in ClinVar:

NM_001814.6(CTSC):c.353G>T (p.Cys118Phe)

Gene: CTSC (cathepsin C; minus strand). Cytogenetic location: 11q14.2.
Variant type: single nucleotide variant.
Coding change: c.353G>T on transcript NM_001814.6 (MANE Select); coding-DNA position 353, G replaced by T.
Protein change: p.Cys118Phe; replaces cysteine 118 with phenylalanine.
Molecular consequence: missense variant.
Genome position (GRCh38, 1-based): chr11:88,312,520, C>A on the plus strand (G>T on the coding strand, the complement: CTSC is on the minus strand). VCF-style: chr11-88312520-C-A. GRCh37 (hg19) VCF-style: chr11-88045688-C-A.
Other names: c.353G>T (NM_001814.4); short protein forms C118F.
Identifiers: ClinVar variation 1520614 (VCV001520614.7), dbSNP rs1049198854, ClinGen allele CA225428305.

ClinVar aggregate classification (germline): Uncertain significance. Review status: criteria provided, multiple submitters, no conflicts (2 of 4 stars). 2 submissions from 2 submitters: Uncertain significance (2). Last evaluated 2025-11-03.

Conditions:
Periodontitis, aggressive. Identifiers: MedGen C0031106, MONDO:0980757.
Papillon-Lefèvre syndrome (PALS). Also called: KERATOSIS PALMOPLANTARIS WITH PERIODONTOPATHIA; Papillon-Lefevre Disease. Identifiers: Orphanet 678, MedGen C0030360, MONDO:0009490, OMIM 245000.
Haim-Munk syndrome (HMS). Also called: COCHIN JEWISH DISORDER; KERATOSIS PALMOPLANTARIS WITH PERIODONTOPATHIA AND ONYCHOGRYPOSIS. Identifiers: Orphanet 2342, MedGen C1855627, MONDO:0009491, OMIM 245010.
Inborn genetic diseases. Identifiers: MedGen C0950123, MeSH D030342.

Allele frequency attached by ClinVar (database versions not stated): gnomAD 0.00001; gnomAD exomes 0.00001; TOPMed 0.00001.
gnomAD v4.1: 18 of 1,614,004 alleles (0.0011%); highest among the groups gnomAD compares: Non-Finnish European, 0.0015%; no homozygotes.

Submissions (2):

Labcorp Genetics (formerly Invitae), Labcorp
Classification: Uncertain significance for Haim-Munk syndrome; Periodontitis, aggressive; Papillon-Lefèvre syndrome. Last evaluated: 2025-11-03. Review status: criteria provided, single submitter. Criteria: Invitae Variant Classification Sherloc (09022015). Collection method: clinical testing. Allele origin: germline.
Comment: This sequence change replaces cysteine, which is neutral and slightly polar, with phenylalanine, which is neutral and non-polar, at codon 118 of the CTSC protein (p.Cys118Phe). This variant is present in population databases (no rsID available, gnomAD 0.007%). This variant has not been reported in the literature in individuals affected with CTSC-related conditions. ClinVar contains an entry for this variant (Variation ID: 1520614). Invitae Evidence Modeling of protein sequence and biophysical properties (such as structural, functional, and spatial information, amino acid conservation, physicochemical variation, residue mobility, and thermodynamic stability) indicates that this missense variant is expected to disrupt CTSC protein function with a positive predictive value of 80%. In summary, the available evidence is currently insufficient to determine the role of this variant in disease. Therefore, it has been classified as a Variant of Uncertain Significance.

Ambry Genetics
Classification: Uncertain significance for Inborn genetic diseases. Last evaluated: 2024-12-11. Review status: criteria provided, single submitter. Criteria: Ambry Variant Classification Scheme 2023. Collection method: clinical testing. Allele origin: germline.